The following is an entry in ClinVar:

NM_001394713.1(PERM1):c.741C>T (p.Asp247=)

Gene: PERM1 (PPARGC1 and ESRR induced regulator, muscle 1; minus strand). Cytogenetic location: 1p36.33.
Variant type: single nucleotide variant.
Coding change: c.741C>T on transcript NM_001394713.1 (MANE Select); coding-DNA position 741, C replaced by T.
Protein change: p.Asp247=; no amino-acid change (aspartic acid 247 retained).
Molecular consequence: synonymous variant.
Genome position (GRCh38, 1-based): chr1:980,289, G>A on the plus strand (C>T on the coding strand, the complement: PERM1 is on the minus strand). VCF-style: chr1-980289-G-A. GRCh37 (hg19) VCF-style: chr1-915669-G-A.
Other names: c.741C>T, p.Asp247= (NM_001291366.2, NM_001369897.1, NM_001369898.1); c.399C>T, p.Asp133= (NM_001291367.2).
Identifiers: ClinVar variation 3388072 (VCV003388072.14).

ClinVar aggregate classification (germline): Likely benign (1 of 4 stars; one submission).

gnomAD v4.1: 7,014 of 1,550,398 alleles (0.45%); highest among the groups gnomAD compares: Middle Eastern, 0.75%; 25 homozygotes.

Submission:

CeGaT Center for Human Genetics Tuebingen
Classification: Likely benign. Last evaluated: 2024-10-01. Review status: criteria provided, single submitter. Criteria: CeGaT Center For Human Genetics Tuebingen Variant Classification Criteria Version 2. Collection method: clinical testing. Allele origin: germline. Affected: yes. Observed: 1 variant allele.
Comment: PERM1: BP4, BP7